The following is an entry in ClinVar:

ClinVar aggregate classification (germline): Pathogenic (1 of 4 stars; one submission).

Conditions:
Multiple monogenic benign skin tumours.

Submission:

Genetics Laboratory, Great Ormond Street Hospital NHS Foundation Trust, North Thames Genomic Laboratory Hub
Classification: Pathogenic for Multiple monogenic benign skin tumours. Last evaluated: 2025-12-09. Review status: criteria provided, single submitter. Criteria: ACGS Best Practice Guidelines for Variant Classification in Rare Disease 2024 v1.2. Collection method: clinical testing. Allele origin: germline. Affected: yes.
Comment: PM2_moderate, PVS1_very-strong, PP4_supporting

NM_001378743.1(CYLD):c.1165dup (p.Thr389fs)

Gene: CYLD (CYLD lysine 63 deubiquitinase; plus strand). Cytogenetic location: 16q12.1.
Variant type: Duplication.
Coding change: c.1165dup on transcript NM_001378743.1 (MANE Select); coding-DNA position 1165, one base duplicated (A; older notation c.1165dupA).
Protein change: p.Thr389fs; shifts the reading frame from threonine 389.
Molecular consequence: frameshift variant. On other transcripts: non-coding transcript variant (1), intron variant (3).
Genome position (GRCh38, 1-based): chr16:50,779,691, A duplicated. VCF-style (leftmost placement, unchanged base first): chr16-50779690-T-TA. GRCh37 (hg19) VCF-style: chr16-50813601-T-TA.
Other names: c.1156dup, p.Thr386fs (NM_001042355.2, NM_001042412.3, NM_001378744.1 and 6 more transcripts); c.490dup, p.Thr164fs (NM_001378754.1, NM_001378755.1); c.1165dup, p.Thr389fs (NM_015247.3); c.1130-4dup (NM_001378753.1, NM_001378751.1, NM_001378752.1); short protein forms T389fs, T164fs, T386fs.
Identifiers: ClinVar variation 4755330 (VCV004755330.1).